The following is an entry in ClinVar:

ClinVar aggregate classification (germline): Pathogenic. Review status: criteria provided, multiple submitters, no conflicts (2 of 4 stars). 2 submissions from 2 submitters: Pathogenic (2). Last evaluated 2025-05-19.

Conditions:
Phenylketonuria (PKU). Also called: FOLLING DISEASE; Phenylketonuria (PKU); OLIGOPHRENIA PHENYLPYRUVICA; Phenylketonurias. Identifiers: Orphanet 716, MedGen C0031485, MONDO:0009861, OMIM 261600. Disease mechanism: loss of function.

Allele frequency attached by ClinVar (database versions not stated): gnomAD exomes below 0.00001; TOPMed below 0.00001.
gnomAD v4.1: 1 of 1,613,880 alleles (0.000062%); highest among the groups gnomAD compares: Non-Finnish European, 0.000085%; no homozygotes.

Submissions (2):

Labcorp Genetics (formerly Invitae), Labcorp
Classification: Pathogenic for Phenylketonuria. Last evaluated: 2025-05-19. Review status: criteria provided, single submitter. Criteria: Invitae Variant Classification Sherloc (09022015). Collection method: clinical testing. Allele origin: germline.
Comment: This sequence change replaces alanine, which is neutral and non-polar, with threonine, which is neutral and polar, at codon 447 of the PAH protein (p.Ala447Thr). This variant is not present in population databases (gnomAD no frequency). This missense change has been observed in individual(s) with a PAH-related condition (internal data). In at least one individual the data is consistent with being in trans (on the opposite chromosome) from a pathogenic variant. ClinVar contains an entry for this variant (Variation ID: 857071). Invitae Evidence Modeling of protein sequence and biophysical properties (such as structural, functional, and spatial information, amino acid conservation, physicochemical variation, residue mobility, and thermodynamic stability) indicates that this missense variant is not expected to disrupt PAH protein function with a negative predictive value of 80%. This variant disrupts the p.Ala447 amino acid residue in PAH. Other variant(s) that disrupt this residue have been determined to be pathogenic (PMID: 2173030, 8659548, 9540801, 10429004, 23430918; internal data). This suggests that this residue is clinically significant, and that variants that disrupt this residue are likely to be disease-causing. For these reasons, this variant has been classified as Pathogenic.

Genome-Nilou Lab
Classification: Pathogenic for Phenylketonuria. Last evaluated: 2021-07-22. Review status: criteria provided, single submitter. Criteria: ACMG Guidelines, 2015. Collection method: clinical testing. Allele origin: germline. Affected: no.

Literature cited by the submitters: PubMed 2173030 (cited by Labcorp Genetics (formerly Invitae), Labcorp); PubMed 8659548 (cited by Labcorp Genetics (formerly Invitae), Labcorp); PubMed 9540801 (cited by Labcorp Genetics (formerly Invitae), Labcorp); PubMed 10429004 (cited by Labcorp Genetics (formerly Invitae), Labcorp); PubMed 23430918 (cited by Labcorp Genetics (formerly Invitae), Labcorp).

NM_000277.3(PAH):c.1339G>A (p.Ala447Thr)

Gene: PAH (phenylalanine hydroxylase; minus strand). Cytogenetic location: 12q23.2.
Variant type: single nucleotide variant.
Coding change: c.1339G>A on transcript NM_000277.3 (MANE Select); coding-DNA position 1339, G replaced by A.
Protein change: p.Ala447Thr; replaces alanine 447 with threonine.
Molecular consequence: missense variant.
Genome position (GRCh38, 1-based): chr12:102,839,195, C>T on the plus strand (G>A on the coding strand, the complement: PAH is on the minus strand). VCF-style: chr12-102839195-C-T. GRCh37 (hg19) VCF-style: chr12-103232973-C-T.
Other names: c.1339G>A, p.Ala447Thr (NM_001354304.2); short protein forms A447T.
Identifiers: ClinVar variation 857071 (VCV000857071.10), dbSNP rs1192400891, ClinGen allele CA386492854.
Genomic context (GRCh38, chr12:102,839,195, plus strand): 5'-AACAGATTCACAGCTGACAGACCACATTCTGTCCATGGCTTTACTTTATTTTCTGGAGGG[C>T]ACTGCAAAGGATTCCAATTTCACCTACAAAGAAAAACACCATCAAAATGGGCCACTTGTA-3'
Protein context (NP_000268.1, residues 437-452): INSEIGILCS[Ala447Thr]LQKIK